The following is an entry in ClinVar:

NM_018713.3(SLC30A10):c.703G>A (p.Ala235Thr)

Gene: SLC30A10 (solute carrier family 30 member 10; minus strand). Cytogenetic location: 1q41.
Variant type: single nucleotide variant.
Coding change: c.703G>A on transcript NM_018713.3 (MANE Select); coding-DNA position 703, G replaced by A.
Protein change: p.Ala235Thr; replaces alanine 235 with threonine.
Molecular consequence: missense variant. On other transcripts: non-coding transcript variant (2).
Genome position (GRCh38, 1-based): chr1:219,927,043, C>T on the plus strand (G>A on the coding strand, the complement: SLC30A10 is on the minus strand). VCF-style: chr1-219927043-C-T. GRCh37 (hg19) VCF-style: chr1-220100385-C-T.
Other names: c.703G>A (NM_018713.2); c.514G>A, p.Ala172Thr (NM_001376929.1); short protein forms A172T, A235T.
Identifiers: ClinVar variation 1176222 (VCV001176222.41), dbSNP rs754898166, ClinGen allele CA1399261.

ClinVar aggregate classification (germline): Uncertain significance. Review status: criteria provided, multiple submitters, no conflicts (2 of 4 stars). 3 submissions from 3 submitters: Uncertain significance (3). Last evaluated 2023-01-25.

Conditions:
Inborn genetic diseases. Identifiers: MedGen C0950123, MeSH D030342.

Allele frequency attached by ClinVar (database versions not stated): gnomAD 0.00004; ExAC 0.00002; gnomAD exomes 0.00002; TOPMed 0.00002.
gnomAD v4.1: 21 of 1,613,400 alleles (0.0013%); highest among the groups gnomAD compares: East Asian, 0.0022%; no homozygotes.

Submissions (3):

Ambry Genetics
Classification: Uncertain significance for Inborn genetic diseases. Last evaluated: 2023-01-25. Review status: criteria provided, single submitter. Criteria: Ambry Variant Classification Scheme 2023. Collection method: clinical testing. Allele origin: germline.

Labcorp Genetics (formerly Invitae), Labcorp
Classification: Uncertain significance. Last evaluated: 2022-04-06. Review status: criteria provided, single submitter. Criteria: Invitae Variant Classification Sherloc (09022015). Collection method: clinical testing. Allele origin: germline.
Comment: In summary, the available evidence is currently insufficient to determine the role of this variant in disease. Therefore, it has been classified as a Variant of Uncertain Significance. Algorithms developed to predict the effect of missense changes on protein structure and function (SIFT, PolyPhen-2, Align-GVGD) all suggest that this variant is likely to be tolerated. ClinVar contains an entry for this variant (Variation ID: 1176222). This variant has not been reported in the literature in individuals affected with SLC30A10-related conditions. This variant is present in population databases (rs754898166, gnomAD 0.02%). This sequence change replaces alanine, which is neutral and non-polar, with threonine, which is neutral and polar, at codon 235 of the SLC30A10 protein (p.Ala235Thr).

CeGaT Center for Human Genetics Tuebingen
Classification: Uncertain significance. Last evaluated: 2021-03-01. Review status: criteria provided, single submitter. Criteria: CeGaT Center For Human Genetics Tuebingen Variant Classification Criteria Version 2. Collection method: clinical testing. Allele origin: germline. Affected: yes. Observed: 1 variant allele.